The following is an entry in ClinVar:

NM_020975.6(RET):c.2943C>T (p.Tyr981=)

Gene: RET (ret proto-oncogene; plus strand). Cytogenetic location: 10q11.21.
Variant type: single nucleotide variant.
Coding change: c.2943C>T on transcript NM_020975.6 (MANE Select); coding-DNA position 2943, C replaced by T.
Protein change: p.Tyr981=; no amino-acid change (tyrosine 981 retained).
Molecular consequence: synonymous variant.
Genome position (GRCh38, 1-based): chr10:43,124,886, C>T. VCF-style: chr10-43124886-C-T. GRCh37 (hg19) VCF-style: chr10-43620334-C-T.
Other names: c.2943C>T, p.Tyr981= (NM_001406759.1, NM_001406760.1, NM_020629.2 and 4 more transcripts); c.2814C>T, p.Tyr938= (NM_001406761.1, NM_001406762.1, NM_001406764.1); c.2808C>T, p.Tyr936= (NM_001406763.1, NM_001406765.1); c.2655C>T, p.Tyr885= (NM_001406766.1, NM_001406767.1, NM_001406770.1); c.2679C>T, p.Tyr893= (NM_001406768.1); c.2547C>T, p.Tyr849= (NM_001406769.1, NM_001406772.1); c.2505C>T, p.Tyr835= (NM_001406771.1, NM_001406773.1); c.2418C>T, p.Tyr806= (NM_001406774.1); and 10 more.
Identifiers: ClinVar variation 413474 (VCV000413474.19), dbSNP rs147318495, ClinGen allele CA041787.

ClinVar aggregate classification (germline): Benign/Likely benign. Review status: criteria provided, multiple submitters, no conflicts (2 of 4 stars). 6 submissions from 6 submitters: Benign (2); Likely benign (3). 1 of the submissions does not count toward it. Last evaluated 2026-01-21.

Conditions:
RET-related disorder. Also called: RET-related condition; RET-related disease; RET-related disorders.
Hereditary cancer-predisposing syndrome. Also called: Neoplastic Syndromes, Hereditary; Tumor predisposition; Hereditary Cancer Syndrome; Hereditary neoplastic syndrome. Identifiers: Orphanet 140162, MedGen C0027672, MeSH D009386, MONDO:0015356.
Multiple endocrine neoplasia, type 2 (MEN2). Identifiers: Orphanet 653, MedGen C4048306, MONDO:0019003. Disease mechanism: gain of function.

Allele frequency attached by ClinVar (database versions not stated): gnomAD exomes 0.00002 and 0.00004; ExAC 0.00009; ESP Exome Variant Server 0.00015; 1000 Genomes Project 30x 0.00016; 1000 Genomes Project 0.00020; TOPMed 0.00022; gnomAD 0.00023 and 0.00024.
gnomAD v4.1: 62 of 1,613,958 alleles (0.0038%); highest among the groups gnomAD compares: African/African-American, 0.081%; no homozygotes.

Submissions (6):

Labcorp Genetics (formerly Invitae), Labcorp
Classification: Likely benign for Multiple endocrine neoplasia, type 2. Last evaluated: 2026-01-21. Review status: criteria provided, single submitter. Criteria: Invitae Variant Classification Sherloc (09022015). Collection method: clinical testing. Allele origin: germline.

Quest Diagnostics Nichols Institute San Juan Capistrano
Classification: Benign. Last evaluated: 2025-04-11. Review status: criteria provided, single submitter. Criteria: Quest Diagnostics criteria. Collection method: clinical testing. Allele origin: unknown.

Color Diagnostics, LLC DBA Color Health
Classification: Benign for Multiple endocrine neoplasia, type 2. Last evaluated: 2022-09-29. Review status: criteria provided, single submitter. Criteria: ACMG Guidelines, 2015. Collection method: clinical testing. Allele origin: germline.

Sema4
Classification: Likely benign for Hereditary cancer-predisposing syndrome. Last evaluated: 2020-11-17. Review status: criteria provided, single submitter. Criteria: Sema4 Curation Guidelines. Collection method: curation. Allele origin: germline.

Ambry Genetics
Classification: Likely benign for Hereditary cancer-predisposing syndrome. Last evaluated: 2015-07-01. Review status: criteria provided, single submitter. Criteria: Ambry Variant Classification Scheme 2023. Collection method: clinical testing. Allele origin: germline.

PreventionGenetics, part of Exact Sciences
Classification: Likely benign for RET-related condition. Last evaluated: 2019-10-07. Review status: no assertion criteria provided. Collection method: clinical testing. Allele origin: germline. Not counted in ClinVar's aggregate classification.
Comment: This variant is classified as likely benign based on ACMG/AMP sequence variant interpretation guidelines (Richards et al. 2015 PMID: 25741868, with internal and published modifications).